The following is an entry in ClinVar:

ClinVar aggregate classification (germline): Uncertain significance. Review status: criteria provided, multiple submitters, no conflicts (2 of 4 stars). 2 submissions from 2 submitters: Uncertain significance (2). Last evaluated 2025-05-13.

Conditions:
Inborn genetic diseases. Identifiers: MedGen C0950123, MeSH D030342.

gnomAD v4.1: 197 of 1,420,038 alleles (0.014%); highest among the groups gnomAD compares: Non-Finnish European, 0.017%; no homozygotes.

Submissions (2):

GeneDx
Classification: Uncertain significance. Last evaluated: 2025-05-13. Review status: criteria provided, single submitter. Criteria: GeneDx Variant Classification Process June 2021. Collection method: clinical testing. Allele origin: germline. Affected: yes.
Comment: In silico analysis suggests that this missense variant does not alter protein structure/function; Has not been previously published as pathogenic or benign to our knowledge

Ambry Genetics
Classification: Uncertain significance for Inborn genetic diseases. Last evaluated: 2024-11-18. Review status: criteria provided, single submitter. Criteria: Ambry Variant Classification Scheme 2023. Collection method: clinical testing. Allele origin: germline.
Comment: The p.D231Y variant (also known as c.691G>T), located in coding exon 1 of the SH2B3 gene, results from a G to T substitution at nucleotide position 691. The aspartic acid at codon 231 is replaced by tyrosine, an amino acid with highly dissimilar properties. This amino acid position is conserved. In addition, this alteration is predicted to be tolerated by in silico analysis. Based on the available evidence, the clinical significance of this variant remains unclear.

NM_005475.3(SH2B3):c.691G>T (p.Asp231Tyr)

Gene: SH2B3 (SH2B adaptor protein 3; plus strand). Cytogenetic location: 12q24.12.
Variant type: single nucleotide variant.
Coding change: c.691G>T on transcript NM_005475.3 (MANE Select); coding-DNA position 691, G replaced by T.
Protein change: p.Asp231Tyr; replaces aspartic acid 231 with tyrosine.
Molecular consequence: missense variant.
Genome position (GRCh38, 1-based): chr12:111,418,836, G>T. VCF-style: chr12-111418836-G-T. GRCh37 (hg19) VCF-style: chr12-111856640-G-T.
Other names: short protein forms D231Y.
Identifiers: ClinVar variation 2382894 (VCV002382894.4), dbSNP rs899111445, ClinGen allele CA243602963.